The following is an entry in ClinVar:

ClinVar aggregate classification (germline): Uncertain significance (1 of 4 stars; one submission).

Submission:

GeneDx
Classification: Uncertain significance. Last evaluated: 2026-01-29. Review status: criteria provided, single submitter. Criteria: GeneDx Variant Classification Process June 2021. Collection method: clinical testing. Allele origin: germline.
Comment: Not observed at significant frequency in large population cohorts (gnomAD); In silico analysis suggests that this missense variant does not alter protein structure/function; Has not been previously published as pathogenic or benign to our knowledge

NM_015057.5(MYCBP2):c.1570A>G (p.Ser524Gly)

Gene: MYCBP2 (MYC binding protein 2; minus strand). Cytogenetic location: 13q22.3.
Variant type: single nucleotide variant.
Coding change: c.1570A>G on transcript NM_015057.5 (MANE Select); coding-DNA position 1570, A replaced by G.
Protein change: p.Ser524Gly; replaces serine 524 with glycine.
Molecular consequence: missense variant.
Genome position (GRCh38, 1-based): chr13:77,263,651, T>C on the plus strand (A>G on the coding strand, the complement: MYCBP2 is on the minus strand). VCF-style: chr13-77263651-T-C. GRCh37 (hg19) VCF-style: chr13-77837786-T-C.
Other names: short protein forms S524G.
Identifiers: ClinVar variation 4975900 (VCV004975900.1).